The following is an entry in ClinVar:

NM_006922.4(SCN3A):c.2994C>A (p.Asp998Glu)

Gene: SCN3A (sodium voltage-gated channel alpha subunit 3; minus strand). Cytogenetic location: 2q24.3.
Variant type: single nucleotide variant.
Coding change: c.2994C>A on transcript NM_006922.4 (MANE Select); coding-DNA position 2994, C replaced by A.
Protein change: p.Asp998Glu; replaces aspartic acid 998 with glutamic acid.
Molecular consequence: missense variant.
Genome position (GRCh38, 1-based): chr2:165,128,030, G>T on the plus strand (C>A on the coding strand, the complement: SCN3A is on the minus strand). VCF-style: chr2-165128030-G-T. GRCh37 (hg19) VCF-style: chr2-165984540-G-T.
Other names: c.2847C>A, p.Asp949Glu (NM_001081676.2, NM_001081677.2); short protein forms D949E, D998E.
Identifiers: ClinVar variation 699409 (VCV000699409.11), dbSNP rs781269284, ClinGen allele CA1938870.
Genomic context (GRCh38, chr2:165,128,030, plus strand): 5'-CACATAATCAATTCCCTTTTGCATTCTTCCTACTGCAATCTGCAGATTATTCATTTCATT[G>T]TCATCATCAGTAGCAGCAAGGTTGTCTGAGCTAAATGAACTCAACAATAAGGCCAGAAAG-3'
Protein context (NP_008853.3, residues 988-1008): SSDNLAATDD[Asp998Glu]NEMNNLQIAV

ClinVar aggregate classification (germline): Likely benign. Review status: criteria provided, multiple submitters, no conflicts (2 of 4 stars). 2 submissions from 2 submitters: Likely benign (2). Last evaluated 2025-11-24.

Conditions:
SCN3A-related disorder. Also called: SCN3A-related condition.

Allele frequency attached by ClinVar (database versions not stated): gnomAD 0.00002 and 0.00003; TOPMed 0.00003; ExAC 0.00005; gnomAD exomes 0.00008.
gnomAD v4.1: 26 of 1,613,458 alleles (0.0016%); highest among the groups gnomAD compares: East Asian, 0.051%; no homozygotes.

Submissions (2):

Labcorp Genetics (formerly Invitae), Labcorp
Classification: Likely benign. Last evaluated: 2025-11-24. Review status: criteria provided, single submitter. Criteria: Invitae Variant Classification Sherloc (09022015). Collection method: clinical testing. Allele origin: germline.

PreventionGenetics, part of Exact Sciences
Classification: Likely benign for SCN3A-related condition. Last evaluated: 2025-05-27. Review status: criteria provided, single submitter. Criteria: ACMG Guidelines, 2015. Collection method: clinical testing. Allele origin: germline.
Comment: This variant is classified as likely benign based on ACMG/AMP sequence variant interpretation guidelines (Richards et al. 2015 PMID: 25741868, with internal and published modifications).